The following is an entry in ClinVar:

ClinVar aggregate classification (germline): Benign. Review status: criteria provided, multiple submitters, no conflicts (2 of 4 stars). 3 submissions from 3 submitters: Benign (3). Last evaluated 2018-11-10.

Conditions:
Spermatogenic failure 7. Also called: MALE INFERTILITY, NONSYNDROMIC, AUTOSOMAL RECESSIVE. Identifiers: Orphanet 276234, MedGen C2751811, MONDO:0013070, OMIM 612997.

Allele frequency attached by ClinVar (database versions not stated): 1000 Genomes Project 0.33646; TOPMed 0.35439; gnomAD 0.34448 and 0.33872; gnomAD exomes 0.28840 and 0.31263; ExAC 0.30483; ESP Exome Variant Server 0.33331; 1000 Genomes Project 30x 0.34010.
gnomAD v4.1: 472,947 of 1,613,292 alleles (29%); highest among the groups gnomAD compares: Admixed American, 47%; 73,710 homozygotes.

Submissions (3):

GeneDx
Classification: Benign. Last evaluated: 2018-11-10. Review status: criteria provided, single submitter. Criteria: GeneDx Variant Classification Process June 2021. Collection method: clinical testing. Allele origin: germline. Affected: yes.

Illumina Laboratory Services, Illumina
Classification: Benign for Spermatogenic failure 7. Last evaluated: 2018-01-13. Review status: criteria provided, single submitter. Criteria: ICSL Variant Classification Criteria 13 December 2019. Collection method: clinical testing. Allele origin: germline.
Comment: This variant was observed in the ICSL laboratory as part of a predisposition screen in an ostensibly healthy population. It had not been previously curated by ICSL or reported in the Human Gene Mutation Database (HGMD: prior to June 1st, 2018), and was therefore a candidate for classification through an automated scoring system. Utilizing variant allele frequency, disease prevalence and penetrance estimates, and inheritance mode, an automated score was calculated to assess if this variant is too frequent to cause the disease. Based on the score and internal cut-off values, a variant classified as benign is not then subjected to further curation. The score for this variant resulted in a classification of benign for this disease.

Breakthrough Genomics
Classification: Benign. Review status: criteria provided, single submitter. Criteria: ACMG Guidelines, 2015. Collection method: not provided. Allele origin: germline. Inheritance: Autosomal recessive inheritance. Affected: yes.

NM_053054.4(CATSPER1):c.397G>A (p.Gly133Ser)

Gene: CATSPER1 (cation channel sperm associated 1; minus strand). Cytogenetic location: 11q13.1.
Variant type: single nucleotide variant.
Coding change: c.397G>A on transcript NM_053054.4 (MANE Select); coding-DNA position 397, G replaced by A.
Protein change: p.Gly133Ser; replaces glycine 133 with serine.
Molecular consequence: missense variant.
Genome position (GRCh38, 1-based): chr11:66,025,983, C>T on the plus strand (G>A on the coding strand, the complement: CATSPER1 is on the minus strand). VCF-style: chr11-66025983-C-T. GRCh37 (hg19) VCF-style: chr11-65793454-C-T.
Other names: short protein forms G133S.
Identifiers: ClinVar variation 305447 (VCV000305447.7), dbSNP rs1203998, ClinGen allele CA6114934.